The following is an entry in ClinVar:

ClinVar aggregate classification (germline): Uncertain significance. Review status: criteria provided, multiple submitters, no conflicts (2 of 4 stars). 2 submissions from 2 submitters: Uncertain significance (2). Last evaluated 2023-04-24.

Allele frequency attached by ClinVar (database versions not stated): TOPMed 0.00001; gnomAD 0.00002; ExAC 0.00025.
gnomAD v4.1: 83 of 1,569,246 alleles (0.0053%); highest among the groups gnomAD compares: South Asian, 0.071%; 1 homozygote.

Submissions (2):

Labcorp Genetics (formerly Invitae), Labcorp
Classification: Uncertain significance. Last evaluated: 2023-04-24. Review status: criteria provided, single submitter. Criteria: Invitae Variant Classification Sherloc (09022015). Collection method: clinical testing. Allele origin: germline.
Comment: This variant is present in population databases (rs557558088, gnomAD 0.08%), and has an allele count higher than expected for a pathogenic variant. This sequence change replaces histidine, which is basic and polar, with tyrosine, which is neutral and polar, at codon 63 of the LSR protein (p.His63Tyr). Algorithms developed to predict the effect of missense changes on protein structure and function output the following: SIFT: "Not Available"; PolyPhen-2: "Benign"; Align-GVGD: "Not Available". The tyrosine amino acid residue is found in multiple mammalian species, which suggests that this missense change does not adversely affect protein function. ClinVar contains an entry for this variant (Variation ID: 2407782). This variant has not been reported in the literature in individuals affected with LSR-related conditions. In summary, the available evidence is currently insufficient to determine the role of this variant in disease. Therefore, it has been classified as a Variant of Uncertain Significance.

Ambry Genetics
Classification: Uncertain significance. Last evaluated: 2022-05-30. Review status: criteria provided, single submitter. Criteria: Ambry Variant Classification Scheme 2023. Collection method: clinical testing. Allele origin: germline.

NM_205834.4(LSR):c.43C>T (p.His15Tyr)

Gene: LSR (lipolysis stimulated lipoprotein receptor; plus strand). Cytogenetic location: 19q13.12.
Variant type: single nucleotide variant.
Coding change: c.43C>T on transcript NM_205834.4 (MANE Select); coding-DNA position 43, C replaced by T.
Protein change: p.His15Tyr; replaces histidine 15 with tyrosine.
Molecular consequence: missense variant.
Genome position (GRCh38, 1-based): chr19:35,249,065, C>T. VCF-style: chr19-35249065-C-T. GRCh37 (hg19) VCF-style: chr19-35739968-C-T.
Other names: c.43C>T, p.His15Tyr (NM_001260489.2, NM_001260490.2, NM_001385215.1 and 2 more transcripts); short protein forms H15Y.
Identifiers: ClinVar variation 2407782 (VCV002407782.5), dbSNP rs557558088, ClinGen allele CA9374567.